The following is an entry in ClinVar:

ClinVar aggregate classification (germline): Conflicting classifications of pathogenicity. Review status: criteria provided, conflicting classifications (1 of 4 stars). 2 submissions from 2 submitters: Uncertain significance (1); Likely benign (1). Last evaluated 2026-01-19.

Conditions:
Inborn genetic diseases. Identifiers: MedGen C0950123, MeSH D030342.
Mitochondrial hypertrophic cardiomyopathy with lactic acidosis due to MTO1 deficiency. Also called: CARDIOMYOPATHY, INFANTILE HYPERTROPHIC MITOCHONDRIAL, AND LACTIC ACIDOSIS; Combined oxidative phosphorylation deficiency 10. Identifiers: Orphanet 314637, MedGen C4749921, MONDO:0013865, OMIM 614702.

Allele frequency attached by ClinVar (database versions not stated): gnomAD exomes 0.00001 and 0.00002; TOPMed 0.00001; ExAC 0.00004.
gnomAD v4.1: 12 of 1,613,960 alleles (0.00074%); highest among the groups gnomAD compares: East Asian, 0.011%; no homozygotes.

Submissions (2):

Labcorp Genetics (formerly Invitae), Labcorp
Classification: Uncertain significance for Mitochondrial hypertrophic cardiomyopathy with lactic acidosis due to MTO1 deficiency. Last evaluated: 2026-01-19. Review status: criteria provided, single submitter. Criteria: Invitae Variant Classification Sherloc (09022015). Collection method: clinical testing. Allele origin: germline.
Comment: This sequence change replaces threonine, which is neutral and polar, with serine, which is neutral and polar, at codon 391 of the MTO1 protein (p.Thr391Ser). This variant is present in population databases (rs377702561, gnomAD 0.02%). This variant has not been reported in the literature in individuals affected with MTO1-related conditions. ClinVar contains an entry for this variant (Variation ID: 958933). Invitae Evidence Modeling of protein sequence and biophysical properties (such as structural, functional, and spatial information, amino acid conservation, physicochemical variation, residue mobility, and thermodynamic stability) indicates that this missense variant is not expected to disrupt MTO1 protein function with a negative predictive value of 95%. In summary, the available evidence is currently insufficient to determine the role of this variant in disease. Therefore, it has been classified as a Variant of Uncertain Significance.

Ambry Genetics
Classification: Likely benign for Inborn genetic diseases. Last evaluated: 2023-05-03. Review status: criteria provided, single submitter. Criteria: Ambry Variant Classification Scheme 2023. Collection method: clinical testing. Allele origin: germline.

NM_012123.4(MTO1):c.1172C>G (p.Thr391Ser)

Gene: MTO1 (mitochondrial tRNA translation optimization 1; plus strand). Cytogenetic location: 6q13.
Variant type: single nucleotide variant.
Coding change: c.1172C>G on transcript NM_012123.4 (MANE Select); coding-DNA position 1172, C replaced by G.
Protein change: p.Thr391Ser; replaces threonine 391 with serine.
Molecular consequence: missense variant.
Genome position (GRCh38, 1-based): chr6:73,480,717, C>G. VCF-style: chr6-73480717-C-G. GRCh37 (hg19) VCF-style: chr6-74190440-C-G.
Other names: c.1172C>G, p.Thr391Ser (NM_001123226.2); c.1247C>G, p.Thr416Ser (NM_133645.3); c.1172C>G (NM_001123226.1); short protein forms T391S, T416S.
Identifiers: ClinVar variation 958933 (VCV000958933.8), dbSNP rs377702561, ClinGen allele CA3889557.
Genomic context (GRCh38, chr6:73,480,717, plus strand): 5'-TCTTTGTTCTTTGGTCAGGCTACGGTGTTCAGTATGATTACTTAGATCCCCGTCAGATCA[C>G]CCCTTCCTTGGAGACTCATTTGGTTCAACGACTCTTCTTTGCTGGACAGATCAATGGCAC-3'
Protein context (NP_036255.2, residues 381-401): QYDYLDPRQI[Thr391Ser]PSLETHLVQR